The following is an entry in ClinVar:

ClinVar aggregate classification (germline): Conflicting classifications of pathogenicity. Review status: criteria provided, conflicting classifications (1 of 4 stars). 9 submissions from 9 submitters: Uncertain significance (2); Benign (3); Likely benign (4). Last evaluated 2025-12-30.

Conditions:
Autosomal recessive nonsyndromic hearing loss 3. Also called: NEUROSENSORY NONSYNDROMIC RECESSIVE DEAFNESS 3. Identifiers: Orphanet 90636, MedGen C1838263, MONDO:0010860, OMIM 600316.
Childhood onset hearing loss.

Allele frequency attached by ClinVar (database versions not stated): gnomAD exomes 0.00041 and 0.00073; ExAC 0.00079; ESP Exome Variant Server 0.00230; gnomAD 0.00266 and 0.00280; TOPMed 0.00294; 1000 Genomes Project 0.00359; 1000 Genomes Project 30x 0.00453.
gnomAD v4.1: 1,022 of 1,612,058 alleles (0.063%); highest among the groups gnomAD compares: African/African-American, 0.95%; 5 homozygotes.

Submissions (9):

Labcorp Genetics (formerly Invitae), Labcorp
Classification: Likely benign. Last evaluated: 2025-12-30. Review status: criteria provided, single submitter. Criteria: Invitae Variant Classification Sherloc (09022015). Collection method: clinical testing. Allele origin: germline.

Blueprint Genetics
Classification: Likely benign. Last evaluated: 2024-10-09. Review status: criteria provided, single submitter. Criteria: ACMG Guidelines, 2015. Collection method: clinical testing. Allele origin: germline.

National Institute on Deafness and Communication Disorders, National Institutes of Health
Classification: Uncertain significance for Childhood onset hearing loss. Last evaluated: 2021-07-08. Review status: criteria provided, single submitter. Criteria: ClinGen HL ACMG Specifications v1. Collection method: research. Allele origin: germline. Inheritance: Autosomal recessive inheritance. Affected: yes. Observed: 1 heterozygote. Segregation with disease not observed.
Comment: PM1, PP3 (non REVEL) / Modifications from PMID: 30311386 for classification: The genetic causes of hearing loss have not yet been well characterized in the Yoruba population, and the information regarding variant MAF in this population is still limited, so we did not exclude any variant based on their "high" MAF. PP3 criteria was applied even if the REVEL score was below 0.7, if at least two of the pathogenicity prediction algorithms used predicted that the variant was damaging or likely damaging.

was found associated with NM_016239.4:c.5777G>A

GeneDx
Classification: Benign. Last evaluated: 2020-11-30. Review status: criteria provided, single submitter. Criteria: GeneDx Variant Classification Process June 2021. Collection method: clinical testing. Allele origin: germline. Affected: yes.

ARUP Laboratories, Molecular Genetics and Genomics, ARUP Laboratories
Classification: Benign for Autosomal recessive nonsyndromic hearing loss 3. Last evaluated: 2020-04-17. Review status: criteria provided, single submitter. Criteria: ARUP Molecular Germline Variant Investigation Process. Collection method: clinical testing. Allele origin: germline.

Athena Diagnostics
Classification: Likely benign. Last evaluated: 2019-02-22. Review status: criteria provided, single submitter. Criteria: Athena Diagnostics Criteria. Collection method: clinical testing. Allele origin: germline.

Illumina Laboratory Services, Illumina
Classification: Uncertain significance for Autosomal recessive nonsyndromic hearing loss 3. Last evaluated: 2018-01-13. Review status: criteria provided, single submitter. Criteria: ICSL Variant Classification Criteria 13 December 2019. Collection method: clinical testing. Allele origin: germline.

Eurofins Ntd Llc (ga)
Classification: Likely benign. Last evaluated: 2016-05-31. Review status: criteria provided, single submitter. Criteria: EGL Classification Definitions 2015. Collection method: clinical testing. Allele origin: germline. Observed: 1 variant allele.

Laboratory for Molecular Medicine, Mass General Brigham Personalized Medicine
Classification: Benign. Last evaluated: 2012-04-30. Review status: criteria provided, single submitter. Criteria: LMM Criteria. Collection method: clinical testing. Allele origin: germline. Observed: 4 variant alleles.
Comment: Arg1630Cys in Exon 17 of MYO15A: This variant is not expected to have clinical s ignificance because it has been identified in 0.7% (23/3496) of African American chromosomes from a broad population by the NHLBI Exome Sequencing Project (dbSNP rs138861831).

NM_016239.4(MYO15A):c.4888C>T (p.Arg1630Cys)

Gene: MYO15A (myosin XVA; plus strand). Cytogenetic location: 17p11.2.
Variant type: single nucleotide variant.
Coding change: c.4888C>T on transcript NM_016239.4 (MANE Select); coding-DNA position 4888, C replaced by T.
Protein change: p.Arg1630Cys; replaces arginine 1630 with cysteine.
Molecular consequence: missense variant.
Genome position (GRCh38, 1-based): chr17:18,138,127, C>T. VCF-style: chr17-18138127-C-T. GRCh37 (hg19) VCF-style: chr17-18041441-C-T.
Other names: short protein forms R1630C.
Identifiers: ClinVar variation 287885 (VCV000287885.33), dbSNP rs138861831, ClinGen allele CA8424077.